The following is an entry in ClinVar:

ClinVar aggregate classification (germline): Uncertain significance (1 of 4 stars; one submission).

Conditions:
Cataract 20 multiple types (CTRCT20). Also called: Membranous cataract. Identifiers: Orphanet 91492, MedGen C0524524, MONDO:0007284, OMIM 116100, HP:0010922.

Submission:

Juno Genomics, Hangzhou Juno Genomics, Inc
Classification: Uncertain significance for Cataract 20 multiple types. Review status: criteria provided, single submitter. Criteria: ACMG Guidelines, 2015. Collection method: clinical testing. Allele origin: germline. Affected: yes.
Comment: Absent from controls (or at extremely low frequency if recessive) in Genome Aggregation Database.;Multiple lines of computational evidence support a deleterious effect on the gene or gene product.;Patient's phenotype or family history is highly specific for a disease with a single genetic etiology.

NM_017541.4(CRYGS):c.109T>C (p.Cys37Arg)

Gene: CRYGS (crystallin gamma S; minus strand). Cytogenetic location: 3q27.3.
Variant type: single nucleotide variant.
Coding change: c.109T>C on transcript NM_017541.4 (MANE Select); coding-DNA position 109, T replaced by C.
Protein change: p.Cys37Arg; replaces cysteine 37 with arginine.
Molecular consequence: missense variant.
Genome position (GRCh38, 1-based): chr3:186,539,510, A>G on the plus strand (T>C on the coding strand, the complement: CRYGS is on the minus strand). VCF-style: chr3-186539510-A-G. GRCh37 (hg19) VCF-style: chr3-186257299-A-G.
Other names: short protein forms C37R.
Identifiers: ClinVar variation 5018845 (VCV005018845.1).